The following is an entry in ClinVar:

NM_015378.4(VPS13D):c.11941A>G (p.Ile3981Val)

Gene: VPS13D (vacuolar protein sorting 13 homolog D; plus strand). Cytogenetic location: 1p36.22.
Variant type: single nucleotide variant.
Coding change: c.11941A>G on transcript NM_015378.4 (MANE Select); coding-DNA position 11941, A replaced by G.
Protein change: p.Ile3981Val; replaces isoleucine 3981 with valine.
Molecular consequence: missense variant.
Genome position (GRCh38, 1-based): chr1:12,403,884, A>G. VCF-style: chr1-12403884-A-G. GRCh37 (hg19) VCF-style: chr1-12463937-A-G.
Other names: c.11866A>G, p.Ile3956Val (NM_018156.4); short protein forms I3956V, I3981V.
Identifiers: ClinVar variation 4279911 (VCV004279911.1).

ClinVar aggregate classification (germline): Uncertain significance (1 of 4 stars; one submission).

Conditions:
Autosomal recessive cerebellar ataxia-saccadic intrusion syndrome. Also called: SPINOCEREBELLAR ATAXIA 24; VPS13D Movement Disorder. Identifiers: Orphanet 95434, MedGen C1846492, MONDO:0011811, OMIM 607317.

gnomAD v4.1: 33 of 1,613,160 alleles (0.002%); highest among the groups gnomAD compares: South Asian, 0.0088%; no homozygotes.

Submission:

Clinical Genomics Laboratory, Washington University in St. Louis
Classification: Uncertain significance for Autosomal recessive cerebellar ataxia-saccadic intrusion syndrome. Last evaluated: 2025-08-26. Review status: criteria provided, single submitter. Criteria: ACMG Guidelines, 2015. Collection method: clinical testing. Allele origin: germline.
Comment: The VPS13D c.11941A>G (p.Ile3981Val) variant, to our knowledge, has not been reported in the medical literature. This variant is only observed in 7/250,328 alleles in the general population (gnomAD v2.1.1), indicating it is not a common variant. Computational predictors suggest that the variant does not impact VPS13D function. Due to limited information, and based on ACMG/AMP guidelines for variant interpretation (Richards S et al., PMID: 25741868), the clinical significance of this variant is uncertain at this time.